The following is an entry in ClinVar:

NM_001012759.3(CTU2):c.720G>A (p.Glu240=)

Gene: CTU2 (cytosolic thiouridylase subunit 2; plus strand). Cytogenetic location: 16q24.3.
Variant type: single nucleotide variant.
Coding change: c.720G>A on transcript NM_001012759.3 (MANE Select); coding-DNA position 720, G replaced by A.
Protein change: p.Glu240=; no amino-acid change (glutamic acid 240 retained).
Molecular consequence: synonymous variant.
Genome position (GRCh38, 1-based): chr16:88,712,888, G>A. VCF-style: chr16-88712888-G-A. GRCh37 (hg19) VCF-style: chr16-88779296-G-A.
Other names: c.720G>A, p.Glu240= (NM_001012762.3); c.933G>A, p.Glu311= (NM_001318507.2); c.459G>A, p.Glu153= (NM_001318513.2).
Identifiers: ClinVar variation 2646983 (VCV002646983.24), dbSNP rs973123999, ClinGen allele CA286397537.

ClinVar aggregate classification (germline): Likely benign (1 of 4 stars; one submission).

Allele frequency attached by ClinVar (database versions not stated): TOPMed below 0.00001.

Submission:

CeGaT Center for Human Genetics Tuebingen
Classification: Likely benign. Last evaluated: 2023-03-01. Review status: criteria provided, single submitter. Criteria: CeGaT Center For Human Genetics Tuebingen Variant Classification Criteria Version 2. Collection method: clinical testing. Allele origin: germline. Affected: yes. Observed: 1 variant allele.
Comment: CTU2: PM2:Supporting, BP4, BP7